The following is an entry in ClinVar:

ClinVar aggregate classification (germline): Uncertain significance (1 of 4 stars; one submission).

Conditions:
SDCCAG8-related disorder. Also called: SDCCAG8-Related Disorders; SDCCAG8-related condition.

gnomAD v4.1: 1 of 1,614,198 alleles (0.000062%); highest among the groups gnomAD compares: Non-Finnish European, 0.000085%; no homozygotes.

Submission:

PreventionGenetics, part of Exact Sciences
Classification: Uncertain significance for SDCCAG8-related condition. Last evaluated: 2026-07-13. Review status: criteria provided, single submitter. Criteria: ACMG Guidelines, 2015. Collection method: clinical testing. Allele origin: germline.
Comment: The SDCCAG8 c.608A>G variant is predicted to result in the amino acid substitution p.Lys203Arg. To our knowledge, this variant has not been reported in the literature. This variant is reported in 0.0018% of alleles in individuals of European (Non-Finnish) descent in gnomAD. At this time, the clinical significance of this variant is uncertain due to the absence of conclusive functional and genetic evidence.

NM_006642.5(SDCCAG8):c.608A>G (p.Lys203Arg)

Gene: SDCCAG8 (SHH signaling and ciliogenesis regulator SDCCAG8; plus strand). Cytogenetic location: 1q43.
Variant type: single nucleotide variant.
Coding change: c.608A>G on transcript NM_006642.5 (MANE Select); coding-DNA position 608, A replaced by G.
Protein change: p.Lys203Arg; replaces lysine 203 with arginine.
Molecular consequence: missense variant. On other transcripts: 5 prime UTR variant (3).
Genome position (GRCh38, 1-based): chr1:243,293,152, A>G. VCF-style: chr1-243293152-A-G. GRCh37 (hg19) VCF-style: chr1-243456454-A-G.
Other names: c.-505A>G (NM_001350246.2); c.-393A>G (NM_001350247.2); c.608A>G, p.Lys203Arg (NM_001350248.2); c.314A>G, p.Lys105Arg (NM_001350249.2); c.-766A>G (NM_001350251.2); short protein forms K105R, K203R.
Identifiers: ClinVar variation 3349001 (VCV003349001.2).
Genomic context (GRCh38, chr1:243,293,152, plus strand): 5'-GAAACATGCACAATTCTTGGATTACAACAGGTGAAGATTCTGGGGTGGGCGAAACCTCCA[A>G]AAGACCATTTTCCCATGACAATGCAGATTTTGGCAAAGCTGCATCTGCTGGTGAGCAGCT-3'
Protein context (NP_006633.1, residues 193-213): GEDSGVGETS[Lys203Arg]RPFSHDNADF